The following is an entry in ClinVar:

NM_000051.4(ATM):c.3083T>G (p.Leu1028Arg)

Gene: ATM (ATM serine/threonine kinase; plus strand). Cytogenetic location: 11q22.3.
Variant type: single nucleotide variant.
Coding change: c.3083T>G on transcript NM_000051.4 (MANE Select); coding-DNA position 3083, T replaced by G.
Protein change: p.Leu1028Arg; replaces leucine 1028 with arginine.
Molecular consequence: missense variant.
Genome position (GRCh38, 1-based): chr11:108,272,537, T>G. VCF-style: chr11-108272537-T-G. GRCh37 (hg19) VCF-style: chr11-108143264-T-G.
Other names: c.3083T>G, p.Leu1028Arg (NM_001351834.2); short protein forms L1028R.
Identifiers: ClinVar variation 490516 (VCV000490516.9), dbSNP rs1555085776, ClinGen allele CA382515010.

ClinVar aggregate classification (germline): Uncertain significance. Review status: criteria provided, multiple submitters, no conflicts (2 of 4 stars). 2 submissions from 2 submitters: Uncertain significance (2). Last evaluated 2021-09-01.

Conditions:
Hereditary cancer-predisposing syndrome. Also called: Tumor predisposition; Neoplastic Syndromes, Hereditary; Hereditary Cancer Syndrome; Hereditary neoplastic syndrome. Identifiers: Orphanet 140162, MedGen C0027672, MeSH D009386, MONDO:0015356.
Ataxia-telangiectasia syndrome (AT). Also called: Ataxia-telangiectasia; Ataxia-telangiectasia, complementation group D; AT, COMPLEMENTATION GROUP C; LOUIS-BAR SYNDROME; Cerebello-oculocutaneous telangiectasia; Immunodeficiency with ataxia telangiectasia. Identifiers: Orphanet 100, MedGen C0004135, MONDO:0008840, OMIM 208900.

Submissions (2):

Labcorp Genetics (formerly Invitae), Labcorp
Classification: Uncertain significance for Ataxia-telangiectasia syndrome. Last evaluated: 2021-09-01. Review status: criteria provided, single submitter. Criteria: Invitae Variant Classification Sherloc (09022015). Collection method: clinical testing. Allele origin: germline.
Comment: This sequence change replaces leucine with arginine at codon 1028 of the ATM protein (p.Leu1028Arg). The leucine residue is highly conserved and there is a moderate physicochemical difference between leucine and arginine. This variant is not present in population databases (ExAC no frequency). This variant has not been reported in the literature in individuals affected with ATM-related conditions. ClinVar contains an entry for this variant (Variation ID: 490516). Algorithms developed to predict the effect of missense changes on protein structure and function (SIFT, PolyPhen-2, Align-GVGD) all suggest that this variant is likely to be disruptive. In summary, the available evidence is currently insufficient to determine the role of this variant in disease. Therefore, it has been classified as a Variant of Uncertain Significance.

Color Diagnostics, LLC DBA Color Health
Classification: Uncertain significance for Hereditary cancer-predisposing syndrome. Last evaluated: 2019-06-07. Review status: criteria provided, single submitter. Criteria: ACMG Guidelines, 2015. Collection method: clinical testing. Allele origin: germline.